The following is an entry in ClinVar:

NM_138780.3(SYTL5):c.293A>G (p.Asn98Ser)

Gene: SYTL5 (synaptotagmin like 5; plus strand). Cytogenetic location: Xp11.4.
Variant type: single nucleotide variant.
Coding change: c.293A>G on transcript NM_138780.3 (MANE Select); coding-DNA position 293, A replaced by G.
Protein change: p.Asn98Ser; replaces asparagine 98 with serine.
Molecular consequence: missense variant.
Genome position (GRCh38, 1-based): chrX:38,054,386, A>G. VCF-style: chrX-38054386-A-G. GRCh37 (hg19) VCF-style: chrX-37913639-A-G.
Other names: c.293A>G, p.Asn98Ser (NM_001163334.1, NM_001163335.2); short protein forms N98S.
Identifiers: ClinVar variation 3049119 (VCV003049119.2), dbSNP rs144103691, ClinGen allele CA10384198.

ClinVar aggregate classification (germline): Likely benign (0 of 4 stars; one submission).

Conditions:
SYTL5-related disorder. Also called: SYTL5-related condition.

Allele frequency attached by ClinVar (database versions not stated): gnomAD exomes 0.00057; ExAC 0.00142; gnomAD 0.00315; 1000 Genomes Project 30x 0.00333; ESP Exome Variant Server 0.00341; 1000 Genomes Project 0.00344; TOPMed 0.00363.
gnomAD v4.1: 996 of 1,209,625 alleles (0.082%); highest among the groups gnomAD compares: African/African-American, 1%; 2 homozygotes.

Submission:

PreventionGenetics, part of Exact Sciences
Classification: Likely benign for SYTL5-related condition. Last evaluated: 2019-12-03. Review status: no assertion criteria provided. Collection method: clinical testing. Allele origin: germline.
Comment: This variant is classified as likely benign based on ACMG/AMP sequence variant interpretation guidelines (Richards et al. 2015 PMID: 25741868, with internal and published modifications).